The following is an entry in ClinVar:

ClinVar aggregate classification (germline): Uncertain significance (1 of 4 stars; one submission).

Allele frequency attached by ClinVar (database versions not stated): gnomAD exomes below 0.00001; TOPMed 0.00001.
gnomAD v4.1: 1 of 1,500,492 alleles (0.000067%); highest among the groups gnomAD compares: Non-Finnish European, 0.000089%; no homozygotes.

Submission:

Labcorp Genetics (formerly Invitae), Labcorp
Classification: Uncertain significance. Last evaluated: 2021-08-19. Review status: criteria provided, single submitter. Criteria: Invitae Variant Classification Sherloc (09022015). Collection method: clinical testing. Allele origin: germline.
Comment: The frequency data for this variant in the population databases is considered unreliable, as metrics indicate insufficient coverage at this position in the ExAC database. This variant has not been reported in the literature in individuals affected with LEMD3-related conditions. Algorithms developed to predict the effect of missense changes on protein structure and function are either unavailable or do not agree on the potential impact of this missense change (SIFT: "Deleterious"; PolyPhen-2: "Benign"; Align-GVGD: "Class C0"). In summary, the available evidence is currently insufficient to determine the role of this variant in disease. Therefore, it has been classified as a Variant of Uncertain Significance. This sequence change replaces proline with arginine at codon 205 of the LEMD3 protein (p.Pro205Arg). The proline residue is weakly conserved and there is a moderate physicochemical difference between proline and arginine.

NM_014319.5(LEMD3):c.614C>G (p.Pro205Arg)

Gene: LEMD3 (LEM domain containing 3; plus strand). Cytogenetic location: 12q14.3.
Variant type: single nucleotide variant.
Coding change: c.614C>G on transcript NM_014319.5 (MANE Select); coding-DNA position 614, C replaced by G.
Protein change: p.Pro205Arg; replaces proline 205 with arginine.
Molecular consequence: missense variant.
Genome position (GRCh38, 1-based): chr12:65,170,210, C>G. VCF-style: chr12-65170210-C-G. GRCh37 (hg19) VCF-style: chr12-65563990-C-G.
Other names: c.614C>G, p.Pro205Arg (NM_001167614.2); short protein forms P205R.
Identifiers: ClinVar variation 1484721 (VCV001484721.6), dbSNP rs1260729037, ClinGen allele CA385673588.
Genomic context (GRCh38, chr12:65,170,210, plus strand): 5'-GCAACTCTGCAGAGCGAAGGAAGCCCCACTCGTGGTGGGGGGCCAGGAGGCCGGCGGGCC[C>G]CGAGCTGCAGACCCCGCCGGGGAAAGATGGAGCAGTGGAGGACGAGGAAGGGGAGGGAGA-3'
Protein context (NP_055134.2, residues 195-215): SWWGARRPAG[Pro205Arg]ELQTPPGKDG